The following is an entry in ClinVar:

NM_016169.4(SUFU):c.318-1G>C

Gene: SUFU (SUFU negative regulator of hedgehog signaling; plus strand). Cytogenetic location: 10q24.32.
Variant type: single nucleotide variant.
Coding change: c.318-1G>C on transcript NM_016169.4 (MANE Select); the canonical splice acceptor site of the intron before coding-DNA position 318, G replaced by C.
Molecular consequence: splice acceptor variant.
Genome position (GRCh38, 1-based): chr10:102,549,969, G>C. VCF-style: chr10-102549969-G-C. GRCh37 (hg19) VCF-style: chr10-104309726-G-C.
Other names: c.318-1G>C (NM_001178133.2).
Identifiers: ClinVar variation 1468373 (VCV001468373.6), dbSNP rs2135742927, ClinGen allele CA377902943.

ClinVar aggregate classification (germline): Likely pathogenic (1 of 4 stars; one submission).

Conditions:
Gorlin syndrome. Also called: Nevoid Basal Cell Carcinoma Syndrome; Basal cell nevus syndrome. Identifiers: Orphanet 377, MedGen C0004779, MONDO:0007187.
Medulloblastoma (MDB). Also called: Medulloblastoma, somatic; MEDULLOBLASTOMA PREDISPOSITION SYNDROME. Identifiers: Orphanet 616, MedGen C0025149, MeSH D008527, MONDO:0007959, OMIM 155255, HP:0002885.

Submission:

Labcorp Genetics (formerly Invitae), Labcorp
Classification: Likely pathogenic for Gorlin syndrome; Medulloblastoma. Last evaluated: 2021-08-29. Review status: criteria provided, single submitter. Criteria: Invitae Variant Classification Sherloc (09022015). Collection method: clinical testing. Allele origin: germline.
Comment: In summary, the currently available evidence indicates that the variant is pathogenic, but additional data are needed to prove that conclusively. Therefore, this variant has been classified as Likely Pathogenic. Algorithms developed to predict the effect of sequence changes on RNA splicing suggest that this variant may disrupt the consensus splice site. This variant has not been reported in the literature in individuals affected with SUFU-related conditions. This variant is not present in population databases (ExAC no frequency). This sequence change affects an acceptor splice site in intron 2 of the SUFU gene. It is expected to disrupt RNA splicing. Variants that disrupt the donor or acceptor splice site typically lead to a loss of protein function (PMID: 16199547), and loss-of-function variants in SUFU are known to be pathogenic (PMID: 22508808, 25403219).

Literature cited by the submitters: PubMed 16199547; PubMed 22508808; PubMed 25403219.